The following is an entry in ClinVar:

ClinVar aggregate classification (germline): Pathogenic/Likely pathogenic. Review status: criteria provided, multiple submitters, no conflicts (2 of 4 stars). 3 submissions from 3 submitters: Pathogenic (2); Likely pathogenic (1). Last evaluated 2025-05-01.

Conditions:
Polycystic kidney disease, adult type (PKD1). Also called: POLYCYSTIC KIDNEY DISEASE 1 WITH OR WITHOUT POLYCYSTIC LIVER DISEASE; Polycystic Kidney Disease 1, Autosomal Dominant; Polycystic kidney disease 1; Polycystic kidney disease 1, severe; Polycystic Kidney, Autosomal Dominant; POLYCYSTIC KIDNEY DISEASE, ADULT, TYPE I. Identifiers: MedGen C3149841, MONDO:0008263, OMIM 173900.

Submissions (3):

Women's Health and Genetics/Laboratory Corporation of America, LabCorp
Classification: Likely pathogenic for Polycystic kidney disease, adult type. Last evaluated: 2025-05-01. Review status: criteria provided, single submitter. Criteria: LabCorp Variant Classification Summary - May 2015. Collection method: clinical testing. Allele origin: germline.
Comment: Variant summary: PKD1 c.11411+1G>C is located in a canonical splice-site and is predicted to affect mRNA splicing resulting in a significantly altered protein due to either exon skipping, shortening, or inclusion of intronic material. Variants that disrupt the consensus splice site are a relatively common cause of aberrant splicing and loss of PKD1 function. Several computational tools predict a significant impact on normal splicing: Four predict the variant abolishes a 5' splicing donor site. However, these predictions have yet to be confirmed by functional studies. The variant was absent in 248610 control chromosomes. c.11411+1G>C has been observed in individuals affected with Polycystic Kidney Disease 1 (e.g., Benson_EJHG). These data indicate that the variant may be associated with disease. To our knowledge, no experimental evidence demonstrating an impact on protein function has been reported. The following publications have been ascertained in the context of this evaluation (PMID: 33454723, 35099770, 38481516). ClinVar contains an entry for this variant (Variation ID: 873371). Based on the evidence outlined above, the variant was classified as likely pathogenic.

Fulgent Genetics
Classification: Pathogenic for Polycystic kidney disease, adult type. Last evaluated: 2024-03-08. Review status: criteria provided, single submitter. Criteria: ACMG Guidelines, 2015. Collection method: clinical testing. Allele origin: germline.

Cavalleri Lab, Royal College of Surgeons in Ireland
Classification: Pathogenic for Polycystic kidney disease, adult type. Last evaluated: 2020-02-05. Review status: criteria provided, single submitter. Criteria: ACMG Guidelines, 2015. Collection method: research. Allele origin: unknown. Inheritance: Autosomal dominant inheritance. Affected: yes.
Comment: PVS1, PM2, PP4

Literature cited by the submitters: PubMed 33454723 (cited by Women's Health and Genetics/Laboratory Corporation of America, LabCorp); PubMed 38481516 (cited by Women's Health and Genetics/Laboratory Corporation of America, LabCorp); PubMed 35099770 (cited by Women's Health and Genetics/Laboratory Corporation of America, LabCorp).

NM_001009944.3(PKD1):c.11411+1G>C

Genes: PKD1 (polycystin 1, transient receptor potential channel interacting; minus strand), PKD1-AS1 (PKD1 antisense RNA 1; plus strand). Cytogenetic location: 16p13.3.
Variant type: single nucleotide variant.
Coding change: c.11411+1G>C on transcript NM_001009944.3 (MANE Select); the canonical splice donor site of the intron after coding-DNA position 11411, G replaced by C.
Molecular consequence: splice donor variant.
Genome position (GRCh38, 1-based): chr16:2,092,046, C>G on the plus strand (G>C on the coding strand, the complement: PKD1 is on the minus strand). VCF-style: chr16-2092046-C-G. GRCh37 (hg19) VCF-style: chr16-2142047-C-G.
Other names: c.11408+1G>C (NM_000296.4).
Identifiers: ClinVar variation 873371 (VCV000873371.3), dbSNP rs2091612821, ClinGen allele CA394333747.
Genomic context (GRCh38, chr16:2,092,046, plus strand): 5'-ACTCCTGGAGAACTACTCCCTTGTCCTTGGCGTAGACGCCCGGGGCCCTCGCTCTGCTCA[C>G]CCCAGCAGATCCGGCGCTGAATAGGCCCACGTCCCCGAGCCATTGTGAGGACTCTCCCAG-3'